The following is an entry in ClinVar:

NM_001042492.3(NF1):c.7567A>T (p.Ser2523Cys)

Gene: NF1 (neurofibromin 1; plus strand). Cytogenetic location: 17q11.2.
Variant type: single nucleotide variant.
Coding change: c.7567A>T on transcript NM_001042492.3 (MANE Select); coding-DNA position 7567, A replaced by T.
Protein change: p.Ser2523Cys; replaces serine 2523 with cysteine.
Molecular consequence: missense variant.
Genome position (GRCh38, 1-based): chr17:31,352,366, A>T. VCF-style: chr17-31352366-A-T. GRCh37 (hg19) VCF-style: chr17-29679384-A-T.
Other names: c.7504A>T, p.Ser2502Cys (NM_000267.4); short protein forms S2502C, S2523C.
Identifiers: ClinVar variation 5025588 (VCV005025588.1).

ClinVar aggregate classification (germline): Uncertain significance (1 of 4 stars; one submission).

Conditions:
Cardiovascular phenotype. Identifiers: MedGen CN230736.
Hereditary cancer-predisposing syndrome. Also called: Neoplastic Syndromes, Hereditary; Tumor predisposition; Hereditary neoplastic syndrome; Hereditary Cancer Syndrome. Identifiers: Orphanet 140162, MedGen C0027672, MeSH D009386, MONDO:0015356.

Submission:

Ambry Genetics
Classification: Uncertain significance for Cardiovascular phenotype; Hereditary cancer-predisposing syndrome. Last evaluated: 2026-07-26. Review status: criteria provided, single submitter. Criteria: Ambry Variant Classification Scheme 2023. Collection method: clinical testing. Allele origin: germline.
Comment: The p.S2502C variant (also known as c.7504A>T), located in coding exon 50 of the NF1 gene, results from an A to T substitution at nucleotide position 7504. The serine at codon 2502 is replaced by cysteine, an amino acid with dissimilar properties. This amino acid position is conserved. In addition, the in silico prediction for this alteration is inconclusive. Based on the available evidence, the clinical significance of this variant remains unclear.